The following is an entry in ClinVar:

ClinVar aggregate classification (germline): Likely pathogenic (1 of 4 stars; one submission).

Conditions:
Brachydactyly type E2 (BDE2). Identifiers: Orphanet 93387, MedGen C3150644, MONDO:0013244, OMIM 613382.

Submission:

Juno Genomics, Hangzhou Juno Genomics, Inc
Classification: Likely pathogenic for Brachydactyly type E2. Review status: criteria provided, single submitter. Criteria: ACMG Guidelines, 2015. Collection method: clinical testing. Allele origin: germline. Affected: yes.
Comment: Absent from controls (or at extremely low frequency if recessive) in Genome Aggregation Database, Exome Sequencing Project, 1000 Genomes Project, or Exome Aggregation Consortium.;Null variant in a gene where loss of function (LOF) is a known mechanism of disease.

NM_198965.2(PTHLH):c.463_464del (p.Ser155fs)

Gene: PTHLH (parathyroid hormone like hormone; minus strand). Cytogenetic location: 12p11.22.
Variant type: Deletion.
Coding change: c.463_464del on transcript NM_198965.2 (MANE Select); coding-DNA positions 463 to 464, 2 bases deleted (AG; older notation c.463_464delAG).
Protein change: p.Ser155fs; shifts the reading frame from serine 155.
Molecular consequence: frameshift variant.
Genome position (GRCh38, 1-based): chr12:27,963,408-27,963,409, CT deleted on the plus strand (AG on the coding strand, the reverse complement: PTHLH is on the minus strand); deleting any 2 consecutive bases within chr12:27,963,408-27,963,410 gives the same sequence; the c. name uses the placement nearest the transcript's 3' end. VCF-style (leftmost placement, unchanged base first): chr12-27963407-ACT-A. GRCh37 (hg19) VCF-style: chr12-28116340-ACT-A.
Other names: c.463_464del, p.Ser155fs (NM_002820.3, NM_198964.2, NM_198966.2); short protein forms S155fs.
Identifiers: ClinVar variation 3382184 (VCV003382184.2).